The following is an entry in ClinVar:

ClinVar aggregate classification (germline): Uncertain significance. Review status: criteria provided, multiple submitters, no conflicts (2 of 4 stars). 2 submissions from 2 submitters: Uncertain significance (2). Last evaluated 2023-04-09.

Conditions:
Inborn genetic diseases. Identifiers: MedGen C0950123, MeSH D030342.

Allele frequency attached by ClinVar (database versions not stated): gnomAD exomes below 0.00001; TOPMed 0.00001.
gnomAD v4.1: 4 of 1,552,626 alleles (0.00026%); highest among the groups gnomAD compares: Admixed American, 0.002%; no homozygotes.

Submissions (2):

Labcorp Genetics (formerly Invitae), Labcorp
Classification: Uncertain significance. Last evaluated: 2023-04-09. Review status: criteria provided, single submitter. Criteria: Invitae Variant Classification Sherloc (09022015). Collection method: clinical testing. Allele origin: germline.
Comment: This sequence change replaces alanine, which is neutral and non-polar, with serine, which is neutral and polar, at codon 836 of the COL2A1 protein (p.Ala836Ser). This variant is not present in population databases (gnomAD no frequency). In summary, the available evidence is currently insufficient to determine the role of this variant in disease. Therefore, it has been classified as a Variant of Uncertain Significance. Advanced modeling of protein sequence and biophysical properties (such as structural, functional, and spatial information, amino acid conservation, physicochemical variation, residue mobility, and thermodynamic stability) performed at Invitae indicates that this missense variant is not expected to disrupt COL2A1 protein function. ClinVar contains an entry for this variant (Variation ID: 1944194). This variant has not been reported in the literature in individuals affected with COL2A1-related conditions.

Ambry Genetics
Classification: Uncertain significance for Inborn genetic diseases. Last evaluated: 2022-05-11. Review status: criteria provided, single submitter. Criteria: Ambry Variant Classification Scheme 2023. Collection method: clinical testing. Allele origin: germline.

NM_001844.5(COL2A1):c.2506G>T (p.Ala836Ser)

Gene: COL2A1 (collagen type II alpha 1 chain; minus strand). Cytogenetic location: 12q13.11.
Variant type: single nucleotide variant.
Coding change: c.2506G>T on transcript NM_001844.5 (MANE Select); coding-DNA position 2506, G replaced by T.
Protein change: p.Ala836Ser; replaces alanine 836 with serine.
Molecular consequence: missense variant.
Genome position (GRCh38, 1-based): chr12:47,980,926, C>A on the plus strand (G>T on the coding strand, the complement: COL2A1 is on the minus strand). VCF-style: chr12-47980926-C-A. GRCh37 (hg19) VCF-style: chr12-48374709-C-A.
Other names: c.2299G>T, p.Ala767Ser (NM_033150.3); short protein forms A767S, A836S.
Identifiers: ClinVar variation 1944194 (VCV001944194.6), dbSNP rs1180343069, ClinGen allele CA384544903.
Genomic context (GRCh38, chr12:47,980,926, plus strand): 5'-GGAACTGGCCTGAGTGGAGGGACCCAGGAGGATGGACAGAGATACTCACAGGAGGCCCAG[C>A]AAATCCCGCTGGTCCGGGGGGCCCAGTCTCTCCACGTTCACCCTGTGAGAGAAGGGGGCA-3'
Protein context (NP_001835.3, residues 826-846): ETGPPGPAGF[Ala836Ser]GPPGADGQPG